The following is an entry in ClinVar:

NM_000171.4(GLRA1):c.860C>T (p.Thr287Ile)

Gene: GLRA1 (glycine receptor alpha 1; minus strand). Cytogenetic location: 5q33.1.
Variant type: single nucleotide variant.
Coding change: c.860C>T on transcript NM_000171.4 (MANE Select); coding-DNA position 860, C replaced by T.
Protein change: p.Thr287Ile; replaces threonine 287 with isoleucine.
Molecular consequence: missense variant.
Genome position (GRCh38, 1-based): chr5:151,851,442, G>A on the plus strand (C>T on the coding strand, the complement: GLRA1 is on the minus strand). VCF-style: chr5-151851442-G-A. GRCh37 (hg19) VCF-style: chr5-151231003-G-A.
Other names: c.860C>T, p.Thr287Ile (NM_001146040.2); c.611C>T, p.Thr204Ile (NM_001292000.2); short protein forms T204I, T287I.
Identifiers: ClinVar variation 3389935 (VCV003389935.14).

ClinVar aggregate classification (germline): Uncertain significance (1 of 4 stars; one submission).

Submission:

CeGaT Center for Human Genetics Tuebingen
Classification: Uncertain significance. Last evaluated: 2024-10-01. Review status: criteria provided, single submitter. Criteria: CeGaT Center For Human Genetics Tuebingen Variant Classification Criteria Version 2. Collection method: clinical testing. Allele origin: germline. Affected: yes. Observed: 1 variant allele.
Comment: GLRA1: PM1, PM2, PP3